The following is an entry in ClinVar:

NM_001006658.3(CR2):c.1720A>G (p.Ile574Val)

Gene: CR2 (complement C3d receptor 2; plus strand). Cytogenetic location: 1q32.2.
Variant type: single nucleotide variant.
Coding change: c.1720A>G on transcript NM_001006658.3 (MANE Select); coding-DNA position 1720, A replaced by G.
Protein change: p.Ile574Val; replaces isoleucine 574 with valine.
Molecular consequence: missense variant.
Genome position (GRCh38, 1-based): chr1:207,472,921, A>G. VCF-style: chr1-207472921-A-G. GRCh37 (hg19) VCF-style: chr1-207646266-A-G.
Other names: c.1720A>G, p.Ile574Val (NM_001877.5); short protein forms I574V.
Identifiers: ClinVar variation 1952449 (VCV001952449.4), dbSNP rs765195323, ClinGen allele CA1368799.

ClinVar aggregate classification (germline): Uncertain significance (1 of 4 stars; one submission).

Conditions:
Immunodeficiency, common variable, 7. Identifiers: Orphanet 1572, Orphanet 696894, MedGen C3542922, MONDO:0013862, OMIM 614699.

Allele frequency attached by ClinVar (database versions not stated): gnomAD exomes 0.00001; ExAC 0.00003.
gnomAD v4.1: 14 of 1,614,034 alleles (0.00087%); highest among the groups gnomAD compares: East Asian, 0.031%; no homozygotes.

Submission:

Labcorp Genetics (formerly Invitae), Labcorp
Classification: Uncertain significance for Immunodeficiency, common variable, 7. Last evaluated: 2022-05-03. Review status: criteria provided, single submitter. Criteria: Invitae Variant Classification Sherloc (09022015). Collection method: clinical testing. Allele origin: germline.
Comment: This sequence change replaces isoleucine, which is neutral and non-polar, with valine, which is neutral and non-polar, at codon 574 of the CR2 protein (p.Ile574Val). This variant is present in population databases (rs765195323, gnomAD 0.03%). This variant has not been reported in the literature in individuals affected with CR2-related conditions. Algorithms developed to predict the effect of missense changes on protein structure and function are either unavailable or do not agree on the potential impact of this missense change (SIFT: "Tolerated"; PolyPhen-2: "Possibly Damaging"; Align-GVGD: "Class C0"). In summary, the available evidence is currently insufficient to determine the role of this variant in disease. Therefore, it has been classified as a Variant of Uncertain Significance.